The following is an entry in ClinVar:

NM_147127.5(EVC2):c.303G>A (p.Met101Ile)

Gene: EVC2 (EvC ciliary complex subunit 2; minus strand). Cytogenetic location: 4p16.2.
Variant type: single nucleotide variant.
Coding change: c.303G>A on transcript NM_147127.5 (MANE Select); coding-DNA position 303, G replaced by A.
Protein change: p.Met101Ile; replaces methionine 101 with isoleucine.
Molecular consequence: missense variant.
Genome position (GRCh38, 1-based): chr4:5,694,482, C>T on the plus strand (G>A on the coding strand, the complement: EVC2 is on the minus strand). VCF-style: chr4-5694482-C-T. GRCh37 (hg19) VCF-style: chr4-5696209-C-T.
Other names: c.63G>A, p.Met21Ile (NM_001166136.2); short protein forms M101I, M21I.
Identifiers: ClinVar variation 2163547 (VCV002163547.1), dbSNP rs766324278, ClinGen allele CA2835501.

ClinVar aggregate classification (germline): Uncertain significance (1 of 4 stars; one submission).

Conditions:
Ellis-van Creveld syndrome (EVC). Also called: EVC-Related Ellis-van Creveld Syndrome; EVC2-Related Ellis-van Creveld Syndrome; Chondroectodermal dysplasia; MESOECTODERMAL DYSPLASIA. Identifiers: Orphanet 289, MedGen C0013903, MONDO:0009162, OMIM 225500.
Curry-Hall syndrome (WAD). Also called: WEYERS ACRODENTAL DYSOSTOSIS. Identifiers: Orphanet 952, MedGen C0457013, MONDO:0008673, OMIM 193530.

Allele frequency attached by ClinVar (database versions not stated): ExAC 0.00001; gnomAD 0.00001; gnomAD exomes 0.00001; TOPMed 0.00001.

Submission:

Labcorp Genetics (formerly Invitae), Labcorp
Classification: Uncertain significance for Curry-Hall syndrome; Ellis-van Creveld syndrome. Last evaluated: 2022-01-15. Review status: criteria provided, single submitter. Criteria: Invitae Variant Classification Sherloc (09022015). Collection method: clinical testing. Allele origin: germline.
Comment: This sequence change replaces methionine, which is neutral and non-polar, with isoleucine, which is neutral and non-polar, at codon 101 of the EVC2 protein (p.Met101Ile). This variant is present in population databases (rs766324278, gnomAD 0.009%). This variant has not been reported in the literature in individuals affected with EVC2-related conditions. Algorithms developed to predict the effect of missense changes on protein structure and function (SIFT, PolyPhen-2, Align-GVGD) all suggest that this variant is likely to be tolerated. In summary, the available evidence is currently insufficient to determine the role of this variant in disease. Therefore, it has been classified as a Variant of Uncertain Significance.